The following is an entry in ClinVar:

ClinVar aggregate classification (germline): Benign (1 of 4 stars; one submission).

Conditions:
Juvenile polyposis syndrome (JPS). Identifiers: Orphanet 2929, MedGen C0345893, MONDO:0017380, OMIM 174900.

Submission:

Myriad Genetics, Inc.
Classification: Benign for Juvenile polyposis syndrome. Last evaluated: 2024-08-05. Review status: criteria provided, single submitter. Criteria: Myriad Autosomal Dominant, Autosomal Recessive and X-Linked Classification Criteria (2023). Collection method: clinical testing. Allele origin: unknown.
Comment: This variant is considered benign. This variant is a silent/synonymous amino acid change and it is not expected to impact splicing.

NM_004329.3(BMPR1A):c.825A>G (p.Thr275=)

Gene: BMPR1A (bone morphogenetic protein receptor type 1A; plus strand). Cytogenetic location: 10q23.2.
Variant type: single nucleotide variant.
Coding change: c.825A>G on transcript NM_004329.3 (MANE Select); coding-DNA position 825, A replaced by G.
Protein change: p.Thr275=; no amino-acid change (threonine 275 retained).
Molecular consequence: synonymous variant. On other transcripts: non-coding transcript variant (3).
Genome position (GRCh38, 1-based): chr10:86,917,283, A>G. VCF-style: chr10-86917283-A-G. GRCh37 (hg19) VCF-style: chr10-88677040-A-G.
Other names: c.873A>G, p.Thr291= (NM_001406560.1); c.825A>G, p.Thr275= (NM_001406561.1, NM_001406562.1, NM_001406563.1 and 19 more transcripts); c.819A>G, p.Thr273= (NM_001406583.1); c.741A>G, p.Thr247= (NM_001406584.1, NM_001406585.1, NM_001406586.1 and 2 more transcripts); c.483A>G, p.Thr161= (NM_001406589.1); c.900A>G, p.Thr300= (NM_001406559.1).
Identifiers: ClinVar variation 3379049 (VCV003379049.1).